The following is an entry in ClinVar:

NM_003482.4(KMT2D):c.1939C>A (p.Pro647Thr)

Gene: KMT2D (lysine methyltransferase 2D; minus strand). Cytogenetic location: 12q13.12.
Variant type: single nucleotide variant.
Coding change: c.1939C>A on transcript NM_003482.4 (MANE Select); coding-DNA position 1939, C replaced by A.
Protein change: p.Pro647Thr; replaces proline 647 with threonine.
Molecular consequence: missense variant.
Genome position (GRCh38, 1-based): chr12:49,051,744, G>T on the plus strand (C>A on the coding strand, the complement: KMT2D is on the minus strand). VCF-style: chr12-49051744-G-T. GRCh37 (hg19) VCF-style: chr12-49445527-G-T.
Other names: short protein forms P647T.
Identifiers: ClinVar variation 547403 (VCV000547403.9), dbSNP rs200106242, ClinGen allele CA6548389.

ClinVar aggregate classification (germline): Conflicting classifications of pathogenicity. Review status: criteria provided, conflicting classifications (1 of 4 stars). 3 submissions from 3 submitters: Uncertain significance (1); Benign (1); Likely benign (1). Last evaluated 2026-07-06.

Conditions:
Kabuki syndrome. Also called: Kabuki make-up syndrome; NIIKAWA-KUROKI SYNDROME. Identifiers: Orphanet 2322, MedGen C0796004, MONDO:0016512.
Kabuki syndrome 1 (KABUK1). Also called: KMT2D-Related Kabuki Syndrome. Identifiers: Orphanet 2322, MedGen CN030661, MONDO:0007843, OMIM 147920.
KMT2D-related disorder. Also called: KMT2D-Related Disorders.

Allele frequency attached by ClinVar (database versions not stated): TOPMed 0.00001; gnomAD 0.00006; 1000 Genomes Project 30x 0.00016; 1000 Genomes Project 0.00020.
gnomAD v4.1: 140 of 1,589,444 alleles (0.0088%); highest among the groups gnomAD compares: Non-Finnish European, 0.012%; 1 homozygote.

Submissions (3):

PreventionGenetics, part of Exact Sciences
Classification: Likely benign for KMT2D-related condition. Last evaluated: 2026-07-06. Review status: criteria provided, single submitter. Criteria: ACMG Guidelines, 2015. Collection method: clinical testing. Allele origin: germline.
Comment: This variant is classified as likely benign based on ACMG/AMP sequence variant interpretation guidelines (Richards et al. 2015 PMID: 25741868, with internal and published modifications).

Labcorp Genetics (formerly Invitae), Labcorp
Classification: Benign for Kabuki syndrome. Last evaluated: 2023-09-08. Review status: criteria provided, single submitter. Criteria: Invitae Variant Classification Sherloc (09022015). Collection method: clinical testing. Allele origin: germline.

Center for Human Genetics, Inc
Classification: Uncertain significance for Kabuki syndrome 1. Last evaluated: 2016-11-01. Review status: criteria provided, single submitter. Criteria: ACMG Guidelines, 2015. Collection method: clinical testing. Allele origin: germline. Affected: yes.